The following is an entry in ClinVar:

ClinVar aggregate classification (germline): Uncertain significance (1 of 4 stars; one submission).

Submission:

GeneDx
Classification: Uncertain significance. Last evaluated: 2025-09-19. Review status: criteria provided, single submitter. Criteria: GeneDx Variant Classification Process June 2021. Collection method: clinical testing. Allele origin: germline.
Comment: Nonsense variant predicted to result in protein truncation or nonsense mediated decay in a gene for which loss of function is a known mechanism of disease; Has not been previously published as pathogenic or benign to our knowledge

NM_007215.4(POLG2):c.713_716delinsA (p.Ser238_Leu239delinsTer)

Genes: MILR1 (mast cell immunoglobulin like receptor 1; plus strand), POLG2 (DNA polymerase gamma 2, accessory subunit; minus strand). Cytogenetic location: 17q23.3.
Variant type: Indel.
Coding change: c.713_716delinsA on transcript NM_007215.4 (MANE Select); coding-DNA positions 713 to 716, CGTT replaced by A.
Protein change: p.Ser238_Leu239delinsTer.
Molecular consequence: nonsense.
Genome position (GRCh38, 1-based): chr17:64,492,746-64,492,749, AACG replaced by T on the plus strand (CGTT replaced by A on the coding strand, the reverse complement: POLG2 is on the minus strand). VCF-style: chr17-64492746-AACG-T. GRCh37 (hg19) VCF-style: chr17-62488863-AACG-T.
Identifiers: ClinVar variation 3381651 (VCV003381651.2).